The following is an entry in ClinVar:

NM_018451.5(CPAP):c.931del (p.Gln311fs)

Gene: CPAP (centrosome assembly and centriole elongation protein; minus strand). Cytogenetic location: 13q12.13.
Variant type: Deletion.
Coding change: c.931del on transcript NM_018451.5 (MANE Select); coding-DNA position 931, one base deleted (C; older notation c.931delC).
Protein change: p.Gln311fs; shifts the reading frame from glutamine 311.
Molecular consequence: frameshift variant. On other transcripts: non-coding transcript variant (2).
Genome position (GRCh38, 1-based): chr13:24,908,061, G deleted on the plus strand (C on the coding strand, the reverse complement: CPAP is on the minus strand). VCF-style (leftmost placement, unchanged base first): chr13-24908060-TG-T. GRCh37 (hg19) VCF-style: chr13-25482198-TG-T.
Other names: short protein forms Q311fs.
Identifiers: ClinVar variation 1322056 (VCV001322056.6), dbSNP rs1413289687, ClinGen allele CA608674320.

ClinVar aggregate classification (germline): Pathogenic. Review status: criteria provided, multiple submitters, no conflicts (2 of 4 stars). 2 submissions from 2 submitters: Pathogenic (2). Last evaluated 2024-04-15.

Allele frequency attached by ClinVar (database versions not stated): gnomAD exomes below 0.00001.

Submissions (2):

Labcorp Genetics (formerly Invitae), Labcorp
Classification: Pathogenic. Last evaluated: 2024-04-15. Review status: criteria provided, single submitter. Criteria: Invitae Variant Classification Sherloc (09022015). Collection method: clinical testing. Allele origin: germline.
Comment: This sequence change creates a premature translational stop signal (p.Gln311Lysfs*32) in the CENPJ gene. It is expected to result in an absent or disrupted protein product. Loss-of-function variants in CENPJ are known to be pathogenic (PMID: 15793586, 16900296, 20522431). This variant is present in population databases (no rsID available, gnomAD 0.003%). This variant has not been reported in the literature in individuals affected with CENPJ-related conditions. ClinVar contains an entry for this variant (Variation ID: 1322056). For these reasons, this variant has been classified as Pathogenic.

Revvity Omics, Revvity
Classification: Pathogenic. Last evaluated: 2019-08-24. Review status: criteria provided, single submitter. Criteria: ACMG Guidelines, 2015. Collection method: clinical testing. Allele origin: germline.

Literature cited by the submitters: PubMed 15793586 (cited by Labcorp Genetics (formerly Invitae), Labcorp); PubMed 16900296 (cited by Labcorp Genetics (formerly Invitae), Labcorp); PubMed 20522431 (cited by Labcorp Genetics (formerly Invitae), Labcorp).